The following is an entry in ClinVar:

ClinVar aggregate classification (germline): Uncertain significance. Review status: criteria provided, multiple submitters, no conflicts (2 of 4 stars). 2 submissions from 2 submitters: Uncertain significance (2). Last evaluated 2026-01-18.

gnomAD v4.1: 38 of 1,539,480 alleles (0.0025%); highest among the groups gnomAD compares: Admixed American, 0.018%; no homozygotes.

Submissions (2):

Labcorp Genetics (formerly Invitae), Labcorp
Classification: Uncertain significance. Last evaluated: 2026-01-18. Review status: criteria provided, single submitter. Criteria: Invitae Variant Classification Sherloc (09022015). Collection method: clinical testing. Allele origin: germline.
Comment: This sequence change replaces proline, which is neutral and non-polar, with leucine, which is neutral and non-polar, at codon 206 of the CEACAM16 protein (p.Pro206Leu). This variant is present in population databases (rs780851450, gnomAD 0.03%). This variant has not been reported in the literature in individuals affected with CEACAM16-related conditions. ClinVar contains an entry for this variant (Variation ID: 3900760). Invitae Evidence Modeling of protein sequence and biophysical properties (such as structural, functional, and spatial information, amino acid conservation, physicochemical variation, residue mobility, and thermodynamic stability) indicates that this missense variant is not expected to disrupt CEACAM16 protein function with a negative predictive value of 80%. In summary, the available evidence is currently insufficient to determine the role of this variant in disease. Therefore, it has been classified as a Variant of Uncertain Significance.

GeneDx
Classification: Uncertain significance. Last evaluated: 2025-07-08. Review status: criteria provided, single submitter. Criteria: GeneDx Variant Classification Process June 2021. Collection method: clinical testing. Allele origin: germline.
Comment: In silico analysis supports that this missense variant has a deleterious effect on protein structure/function; Has not been previously published as pathogenic or benign to our knowledge

NM_001039213.4(CEACAM16):c.617C>T (p.Pro206Leu)

Genes: CEACAM16 (CEA cell adhesion molecule 16, tectorial membrane component; plus strand), CEACAM16-AS1 (CEACAM16, CEACAM19 and PVR antisense RNA 1; minus strand). Cytogenetic location: 19q13.32.
Variant type: single nucleotide variant.
Coding change: c.617C>T on transcript NM_001039213.4 (MANE Select); coding-DNA position 617, C replaced by T.
Protein change: p.Pro206Leu; replaces proline 206 with leucine.
Molecular consequence: missense variant.
Genome position (GRCh38, 1-based): chr19:44,704,252, C>T. VCF-style: chr19-44704252-C-T. GRCh37 (hg19) VCF-style: chr19-45207522-C-T.
Other names: short protein forms P206L.
Identifiers: ClinVar variation 3900760 (VCV003900760.3).
Genomic context (GRCh38, chr19:44,704,252, plus strand): 5'-TGGCCAGGCATGGCATCCGCCGGGAGGAGGCCGGCGCCTATCAGTGTGAGGTGTGGAACC[C>T]GGTCAGTGTCAGCCGCAGCGAGCCCATCAACCTGACCGTGTACTGTGAGTCCTCCTGGCC-3'
Protein context (NP_001034302.2, residues 196-216): AGAYQCEVWN[Pro206Leu]VSVSRSEPIN